The following is an entry in ClinVar:

NM_005422.4(TECTA):c.4305+5G>T

Genes: TBCEL-TECTA (TBCEL-TECTA readthrough; plus strand), TECTA (tectorin alpha; plus strand). Cytogenetic location: 11q23.3.
Variant type: single nucleotide variant.
Coding change: c.4305+5G>T on transcript NM_005422.4 (MANE Select); 5 bases into the intron after coding-DNA position 4305, G replaced by T.
Molecular consequence: intron variant.
Genome position (GRCh38, 1-based): chr11:121,153,085, G>T. VCF-style: chr11-121153085-G-T. GRCh37 (hg19) VCF-style: chr11-121023794-G-T.
Other names: c.5262+5G>T (NM_001378761.1).
Identifiers: ClinVar variation 4774792 (VCV004774792.1).

ClinVar aggregate classification (germline): Uncertain significance (1 of 4 stars; one submission).

Submission:

Labcorp Genetics (formerly Invitae), Labcorp
Classification: Uncertain significance. Last evaluated: 2025-11-04. Review status: criteria provided, single submitter. Criteria: Invitae Variant Classification Sherloc (09022015). Collection method: clinical testing. Allele origin: germline.
Comment: This sequence change falls in intron 12 of the TECTA gene. It does not directly change the encoded amino acid sequence of the TECTA protein. It affects a nucleotide within the consensus splice site. The frequency data for this variant in the population databases is considered unreliable, as metrics indicate poor data quality at this position in the gnomAD database. This variant has not been reported in the literature in individuals affected with TECTA-related conditions. Variants that disrupt the consensus splice site are a relatively common cause of aberrant splicing (PMID: 17576681, 9536098). Algorithms developed to predict the effect of sequence changes on RNA splicing suggest that this variant may create or strengthen a splice site. In summary, the available evidence is currently insufficient to determine the role of this variant in disease. Therefore, it has been classified as a Variant of Uncertain Significance.

Literature cited by the submitters: PubMed 17576681; PubMed 9536098.